The following is an entry in ClinVar:

ClinVar aggregate classification (germline): Uncertain significance (1 of 4 stars; one submission).

Conditions:
LEPR-related disorder. Also called: LEPR-related disorders; LEPR-related condition.

gnomAD v4.1: 12 of 1,613,950 alleles (0.00074%); highest among the groups gnomAD compares: Admixed American, 0.0083%; 1 homozygote.

Submission:

PreventionGenetics, part of Exact Sciences
Classification: Uncertain significance for LEPR-related condition. Last evaluated: 2025-12-03. Review status: criteria provided, single submitter. Criteria: ACMG Guidelines, 2015. Collection method: clinical testing. Allele origin: germline.
Comment: The LEPR c.3020G>A variant is predicted to result in the amino acid substitution p.Ser1007Asn. This variant was reported in an individual with non-syndromic early-onset obesity (Supplementary Table S4, Serra-Juhé et al. 2019. PubMed ID: 30926952). This variant was also observed in a cohort of individuals with obesity, and in vitro functional studies showed function similar to wild-type levels (Supplemental Data Set, Shah et al. 2023. PubMed ID: 36864747). This variant is reported in 0.0028% of alleles in individuals of Latino descent in gnomAD. At this time, the clinical significance of this variant is uncertain due to the absence of conclusive functional and genetic evidence.

NM_002303.6(LEPR):c.3020G>A (p.Ser1007Asn)

Gene: LEPR (leptin receptor; plus strand). Cytogenetic location: 1p31.3.
Variant type: single nucleotide variant.
Coding change: c.3020G>A on transcript NM_002303.6 (MANE Select); coding-DNA position 3020, G replaced by A.
Protein change: p.Ser1007Asn; replaces serine 1007 with asparagine.
Molecular consequence: missense variant.
Genome position (GRCh38, 1-based): chr1:65,636,537, G>A. VCF-style: chr1-65636537-G-A. GRCh37 (hg19) VCF-style: chr1-66102220-G-A.
Other names: short protein forms S1007N.
Identifiers: ClinVar variation 4984412 (VCV004984412.1).